The following is an entry in ClinVar:

NM_001100.4(ACTA1):c.455-11C>A

Gene: ACTA1 (actin alpha 1, skeletal muscle; minus strand). Cytogenetic location: 1q42.13.
Variant type: single nucleotide variant.
Coding change: c.455-11C>A on transcript NM_001100.4 (MANE Select); 11 bases into the intron before coding-DNA position 455, C replaced by A.
Molecular consequence: intron variant.
Genome position (GRCh38, 1-based): chr1:229,432,442, G>T on the plus strand (C>A on the coding strand, the complement: ACTA1 is on the minus strand). VCF-style: chr1-229432442-G-T. GRCh37 (hg19) VCF-style: chr1-229568189-G-T.
Identifiers: ClinVar variation 3693119 (VCV003693119.2).

ClinVar aggregate classification (germline): Uncertain significance (1 of 4 stars; one submission).

Conditions:
Actin accumulation myopathy (CMYO2A). Also called: CONGENITAL MYOPATHY 2A, TYPICAL, AUTOSOMAL DOMINANT; Nemaline myopathy 3, with intranuclear rods; Myopathy, actin, congenital, with cores; Nemaline myopathy type 3; Myopathy, actin, congenital, with excess of thin myofilaments. Identifiers: Orphanet 98904, MedGen C3711389, MONDO:0008070, OMIM 161800.

Submission:

Labcorp Genetics (formerly Invitae), Labcorp
Classification: Uncertain significance for Actin accumulation myopathy. Last evaluated: 2024-10-26. Review status: criteria provided, single submitter. Criteria: Invitae Variant Classification Sherloc (09022015). Collection method: clinical testing. Allele origin: germline.
Comment: This sequence change falls in intron 3 of the ACTA1 gene. It does not directly change the encoded amino acid sequence of the ACTA1 protein. This variant is not present in population databases (gnomAD no frequency). This variant has not been reported in the literature in individuals affected with ACTA1-related conditions. Algorithms developed to predict the effect of sequence changes on RNA splicing suggest that this variant may disrupt the consensus splice site. In summary, the available evidence is currently insufficient to determine the role of this variant in disease. Therefore, it has been classified as a Variant of Uncertain Significance.